The following is an entry in ClinVar:

NM_014284.3(NCDN):c.2138C>T (p.Thr713Met)

Gene: NCDN (neurochondrin; plus strand). Cytogenetic location: 1p34.3.
Variant type: single nucleotide variant.
Coding change: c.2138C>T on transcript NM_014284.3 (MANE Select); coding-DNA position 2138, C replaced by T.
Protein change: p.Thr713Met; replaces threonine 713 with methionine.
Molecular consequence: missense variant.
Genome position (GRCh38, 1-based): chr1:35,565,611, C>T. VCF-style: chr1-35565611-C-T. GRCh37 (hg19) VCF-style: chr1-36031212-C-T.
Other names: c.2138C>T, p.Thr713Met (NM_001014839.2); c.2087C>T, p.Thr696Met (NM_001014841.2); short protein forms T696M, T713M.
Identifiers: ClinVar variation 1694508 (VCV001694508.31), dbSNP rs774010404, ClinGen allele CA760405.

ClinVar aggregate classification (germline): Likely benign (1 of 4 stars; one submission).

Allele frequency attached by ClinVar (database versions not stated): gnomAD 0.00001; gnomAD exomes 0.00001 and 0.00002; TOPMed 0.00001; ExAC 0.00011.
gnomAD v4.1: 10 of 1,555,538 alleles (0.00064%); highest among the groups gnomAD compares: East Asian, 0.0024%; no homozygotes.

Submission:

CeGaT Center for Human Genetics Tuebingen
Classification: Likely benign. Last evaluated: 2022-04-01. Review status: criteria provided, single submitter. Criteria: CeGaT Center For Human Genetics Tuebingen Variant Classification Criteria Version 2. Collection method: clinical testing. Allele origin: germline. Affected: yes. Observed: 1 variant allele.
Comment: NCDN: BS2